The following is an entry in ClinVar:

NM_014159.7(SETD2):c.2982T>A (p.Asp994Glu)

Gene: SETD2 (SET domain containing 2, histone lysine methyltransferase; minus strand). Cytogenetic location: 3p21.31.
Variant type: single nucleotide variant.
Coding change: c.2982T>A on transcript NM_014159.7 (MANE Select); coding-DNA position 2982, T replaced by A.
Protein change: p.Asp994Glu; replaces aspartic acid 994 with glutamic acid.
Molecular consequence: missense variant. On other transcripts: non-coding transcript variant (1).
Genome position (GRCh38, 1-based): chr3:47,121,654, A>T on the plus strand (T>A on the coding strand, the complement: SETD2 is on the minus strand). VCF-style: chr3-47121654-A-T. GRCh37 (hg19) VCF-style: chr3-47163144-A-T.
Other names: c.2850T>A, p.Asp950Glu (NM_001349370.3); short protein forms D950E, D994E.
Identifiers: ClinVar variation 1045695 (VCV001045695.5), dbSNP rs371777668, ClinGen allele CA2363449.

ClinVar aggregate classification (germline): Uncertain significance (1 of 4 stars; one submission).

Conditions:
Luscan-Lumish syndrome. Identifiers: Orphanet 597738, MedGen C4085873, MONDO:0014791, OMIM 616831.

Allele frequency attached by ClinVar (database versions not stated): gnomAD 0.00001; ExAC 0.00002; gnomAD exomes 0.00002; TOPMed 0.00002; ESP Exome Variant Server 0.00008.
gnomAD v4.1: 33 of 1,613,412 alleles (0.002%); highest among the groups gnomAD compares: Non-Finnish European, 0.0027%; no homozygotes.

Submission:

Labcorp Genetics (formerly Invitae), Labcorp
Classification: Uncertain significance for Luscan-Lumish syndrome. Last evaluated: 2022-11-15. Review status: criteria provided, single submitter. Criteria: Invitae Variant Classification Sherloc (09022015). Collection method: clinical testing. Allele origin: germline.
Comment: ClinVar contains an entry for this variant (Variation ID: 1045695). This variant has not been reported in the literature in individuals affected with SETD2-related conditions. This variant is present in population databases (rs371777668, gnomAD 0.005%). This sequence change replaces aspartic acid, which is acidic and polar, with glutamic acid, which is acidic and polar, at codon 994 of the SETD2 protein (p.Asp994Glu). Advanced modeling of protein sequence and biophysical properties (such as structural, functional, and spatial information, amino acid conservation, physicochemical variation, residue mobility, and thermodynamic stability) performed at Invitae indicates that this missense variant is not expected to disrupt SETD2 protein function. In summary, the available evidence is currently insufficient to determine the role of this variant in disease. Therefore, it has been classified as a Variant of Uncertain Significance.